The following is an entry in ClinVar:

ClinVar aggregate classification (germline): Likely pathogenic (1 of 4 stars; one submission).

Conditions:
LEPR-related disorder. Also called: LEPR-related disorders; LEPR-related condition.

Submission:

PreventionGenetics, part of Exact Sciences
Classification: Likely pathogenic for LEPR-related condition. Last evaluated: 2024-10-22. Review status: criteria provided, single submitter. Criteria: ACMG Guidelines, 2015. Collection method: clinical testing. Allele origin: germline.
Comment: The LEPR c.2369C>A variant is predicted to result in premature protein termination (p.Ser790*). To our knowledge, this variant has not been reported in the literature or in a large population database (gnomAD), indicating this variant is rare. Nonsense variants in LEPR are expected to be pathogenic. This variant is interpreted as likely pathogenic.

NM_002303.6(LEPR):c.2369C>A (p.Ser790Ter)

Gene: LEPR (leptin receptor; plus strand). Cytogenetic location: 1p31.3.
Variant type: single nucleotide variant.
Coding change: c.2369C>A on transcript NM_002303.6 (MANE Select); coding-DNA position 2369, C replaced by A.
Protein change: p.Ser790Ter; replaces serine 790 with a stop codon.
Molecular consequence: nonsense.
Genome position (GRCh38, 1-based): chr1:65,618,120, C>A. VCF-style: chr1-65618120-C-A. GRCh37 (hg19) VCF-style: chr1-66083803-C-A.
Other names: c.2369C>A, p.Ser790Ter (NM_001003679.3, NM_001003680.3, NM_001198687.2 and 2 more transcripts); short protein forms S790*.
Identifiers: ClinVar variation 4987588 (VCV004987588.1).